The following is an entry in ClinVar:

NM_000069.3(CACNA1S):c.4308G>A (p.Gly1436=)

Gene: CACNA1S (calcium voltage-gated channel subunit alpha1 S; minus strand). Cytogenetic location: 1q32.1.
Variant type: single nucleotide variant.
Coding change: c.4308G>A on transcript NM_000069.3 (MANE Select); coding-DNA position 4308, G replaced by A.
Protein change: p.Gly1436=; no amino-acid change (glycine 1436 retained).
Molecular consequence: synonymous variant.
Genome position (GRCh38, 1-based): chr1:201,049,033, C>T on the plus strand (G>A on the coding strand, the complement: CACNA1S is on the minus strand). VCF-style: chr1-201049033-C-T. GRCh37 (hg19) VCF-style: chr1-201018161-C-T.
Other names: c.4308G>A (NM_000069.2).
Identifiers: ClinVar variation 2936702 (VCV002936702.4), dbSNP rs758009532, ClinGen allele CA083214.

ClinVar aggregate classification (germline): Likely benign. Review status: criteria provided, single submitter (1 of 4 stars). 2 submissions from 2 submitters: Likely benign (1). 1 of the submissions does not count toward it. Last evaluated 2023-08-16.

Conditions:
CACNA1S-related disorder. Also called: CACNA1S-related condition.
Malignant hyperthermia, susceptibility to, 5 (MHS5). Also called: CACNA1S-Related Malignant Hyperthermia Susceptibility. Identifiers: Orphanet 423, MedGen C1866077, MONDO:0011163, OMIM 601887.
Hypokalemic periodic paralysis, type 1. Also called: HypoPP; Hypokalemic Periodic Paralysis Type 1 (AD). Identifiers: Orphanet 681, MedGen C3714580, MONDO:0042979, OMIM 170400.

Allele frequency attached by ClinVar (database versions not stated): ExAC 0.00003.
gnomAD v4.1: 5 of 1,613,936 alleles (0.00031%); highest among the groups gnomAD compares: Non-Finnish European, 0.00042%; no homozygotes.

Submissions (2):

Labcorp Genetics (formerly Invitae), Labcorp
Classification: Likely benign for Hypokalemic periodic paralysis, type 1; Malignant hyperthermia, susceptibility to, 5. Last evaluated: 2023-08-16. Review status: criteria provided, single submitter. Criteria: Invitae Variant Classification Sherloc (09022015). Collection method: clinical testing. Allele origin: germline.

PreventionGenetics, part of Exact Sciences
Classification: Likely benign for CACNA1S-related condition. Last evaluated: 2024-09-12. Review status: no assertion criteria provided. Collection method: clinical testing. Allele origin: germline. Not counted in ClinVar's aggregate classification.
Comment: This variant is classified as likely benign based on ACMG/AMP sequence variant interpretation guidelines (Richards et al. 2015 PMID: 25741868, with internal and published modifications).